The following is an entry in ClinVar:

ClinVar aggregate classification (germline): Uncertain significance (1 of 4 stars; one submission).

Conditions:
Primary ciliary dyskinesia 33. Also called: CILIARY DYSKINESIA, PRIMARY, 33, WITHOUT SITUS INVERSUS. Identifiers: Orphanet 244, MedGen C4225230, MONDO:0014750, OMIM 616726.

Submission:

Labcorp Genetics (formerly Invitae), Labcorp
Classification: Uncertain significance for Primary ciliary dyskinesia 33. Last evaluated: 2022-11-01. Review status: criteria provided, single submitter. Criteria: Invitae Variant Classification Sherloc (09022015). Collection method: clinical testing. Allele origin: germline.
Comment: In summary, the available evidence is currently insufficient to determine the role of this variant in disease. Therefore, it has been classified as a Variant of Uncertain Significance. Experimental studies and prediction algorithms are not available or were not evaluated, and the functional significance of this variant is currently unknown. This variant has not been reported in the literature in individuals affected with GAS8-related conditions. This variant is a gross deletion of the genomic region encompassing exon(s) 2 of the GAS8 gene. This variant would be expected to be in-frame, preserving the integrity of the reading frame.

NC_000016.9:g.(?_90094024)_(90094150_?)del

Gene: GAS8 (growth arrest specific 8; plus strand). Cytogenetic location: 16q24.3.
Variant type: Deletion.
Identifiers: ClinVar variation 1439590 (VCV001439590.5).